The following is an entry in ClinVar:

NM_014365.3(HSPB8):c.151T>C (p.Trp51Arg)

Gene: HSPB8 (heat shock protein family B (small) member 8; plus strand). Cytogenetic location: 12q24.23.
Variant type: single nucleotide variant.
Coding change: c.151T>C on transcript NM_014365.3 (MANE Select); coding-DNA position 151, T replaced by C.
Protein change: p.Trp51Arg; replaces tryptophan 51 with arginine.
Molecular consequence: missense variant.
Genome position (GRCh38, 1-based): chr12:119,179,463, T>C. VCF-style: chr12-119179463-T-C. GRCh37 (hg19) VCF-style: chr12-119617268-T-C.
Other names: short protein forms W51R.
Identifiers: ClinVar variation 4997978 (VCV004997978.1).
Genomic context (GRCh38, chr12:119,179,463, plus strand): 5'-CTGGATGATGGCTTTGGCATGGACCCCTTCCCAGACGACTTGACAGCCTCTTGGCCCGAC[T>C]GGGCTCTGCCTCGTCTCTCCTCCGCCTGGCCAGGCACCCTAAGGTCGGGCATGGTGCCCC-3'
Protein context (NP_055180.1, residues 41-61): PDDLTASWPD[Trp51Arg]ALPRLSSAWP

ClinVar aggregate classification (germline): Uncertain significance (1 of 4 stars; one submission).

Conditions:
HSPB8-related disorder. Also called: HSPB8-related condition.

gnomAD v4.1: 3 of 1,614,082 alleles (0.00019%); highest among the groups gnomAD compares: Non-Finnish European, 0.00017%; no homozygotes.

Submission:

PreventionGenetics, part of Exact Sciences
Classification: Uncertain significance for HSPB8-related condition. Last evaluated: 2025-02-06. Review status: criteria provided, single submitter. Criteria: ACMG Guidelines, 2015. Collection method: clinical testing. Allele origin: germline.
Comment: The HSPB8 c.151T>C variant is predicted to result in the amino acid substitution p.Trp51Arg. To our knowledge, this variant has not been reported in the literature or in a large population database (gnomAD), indicating this variant is rare. At this time, the clinical significance of this variant is uncertain due to the absence of conclusive functional and genetic evidence.